The following is an entry in ClinVar:

NM_001972.4(ELANE):c.137C>T (p.Ser46Phe)

Gene: ELANE (elastase, neutrophil expressed; plus strand). Cytogenetic location: 19p13.3.
Variant type: single nucleotide variant.
Coding change: c.137C>T on transcript NM_001972.4 (MANE Select); coding-DNA position 137, C replaced by T.
Protein change: p.Ser46Phe; replaces serine 46 with phenylalanine.
Molecular consequence: missense variant.
Genome position (GRCh38, 1-based): chr19:852,945, C>T. VCF-style: chr19-852945-C-T. GRCh37 (hg19) VCF-style: chr19-852945-C-T.
Other names: c.137C>T (LRG_57t1); short protein forms S46F.
Identifiers: ClinVar variation 372362 (VCV000372362.8), dbSNP rs878855320, ClinGen allele CA16043127.

ClinVar aggregate classification (germline): Pathogenic. Review status: criteria provided, multiple submitters, no conflicts (2 of 4 stars). 2 submissions from 2 submitters: Pathogenic (2). Last evaluated 2022-09-07.

Conditions:
Neutropenia, severe congenital, 1, autosomal dominant. Identifiers: MedGen C1859966, MONDO:0042490, OMIM 202700.
Cyclical neutropenia. Also called: Cyclic Neutropenia; Cyclic hematopoiesis. Identifiers: Orphanet 2686, MedGen C0221023, MONDO:0008090, OMIM 162800, HP:0040289. Disease mechanism: loss of function.

Submissions (2):

Labcorp Genetics (formerly Invitae), Labcorp
Classification: Pathogenic for Neutropenia, severe congenital, 1, autosomal dominant; Cyclical neutropenia. Last evaluated: 2022-09-07. Review status: criteria provided, single submitter. Criteria: Invitae Variant Classification Sherloc (09022015). Collection method: clinical testing. Allele origin: germline.
Comment: This variant is also known as p.Ser17Phe. This sequence change replaces serine, which is neutral and polar, with phenylalanine, which is neutral and non-polar, at codon 46 of the ELANE protein (p.Ser46Phe). This variant is not present in population databases (gnomAD no frequency). This missense change has been observed in individuals with cyclic neutropenia (PMID: 14962902, 23463630; Invitae). ClinVar contains an entry for this variant (Variation ID: 372362). Algorithms developed to predict the effect of missense changes on protein structure and function are either unavailable or do not agree on the potential impact of this missense change (SIFT: "Deleterious"; PolyPhen-2: "Probably Damaging"; Align-GVGD: "Class C15"). Experimental studies have shown that this missense change affects ELANE function (PMID: 24184683). This variant disrupts the p.Ser46 amino acid residue in ELANE. Other variant(s) that disrupt this residue have been determined to be pathogenic (PMID: 19036076, 23463630, 31321910; Invitae). This suggests that this residue is clinically significant, and that variants that disrupt this residue are likely to be disease-causing. For these reasons, this variant has been classified as Pathogenic.

GeneDx
Classification: Pathogenic. Last evaluated: 2016-12-09. Review status: criteria provided, single submitter. Criteria: GeneDx Variant Classification (06012015). Collection method: clinical testing. Allele origin: germline. Affected: yes.
Comment: The S46F variant in the ELANE gene has been reported previously in patients with congenital neutropenia (Bellanne-Chantelot et al., 2004; Germehausen et al., 2013). It was not observed in approximately 6,300 individuals of European and African American ancestry in the NHLBI Exome Sequencing Project, indicating it is not a common benign variant in these populations. S46F is a non-conservative amino acid substitution, which is likely to impact secondary protein structure as these residues differ in polarity, charge, size and/or other properties. This substitution occurs at a position within the petidase S1 domain that is conserved across species and in silico analysis predicts this variant is probably damaging to the protein structure/function. Missense variants at the same (S46C/Y) and in nearby residues (P42L, F43L, M44R, V45L/M/E, L47R/P, L49P) have been reported in the Human Gene Mutation Database in association with ELANE-related disorders (Stenson et al., 2014), supporting the functional importance of this region of the protein. Additionally, functional studies of the S46F variant have shown that it results in increased luciferase activity (Tidwell et al., 2014). Therefore, we interpret this variant as pathogenic.

Literature cited by the submitters: PubMed 14962902 (cited by Labcorp Genetics (formerly Invitae), Labcorp); PubMed 23463630 (cited by Labcorp Genetics (formerly Invitae), Labcorp); PubMed 24184683 (cited by Labcorp Genetics (formerly Invitae), Labcorp); PubMed 19036076 (cited by Labcorp Genetics (formerly Invitae), Labcorp); PubMed 31321910 (cited by Labcorp Genetics (formerly Invitae), Labcorp).